The following is an entry in ClinVar:

NM_144596.4(TTC8):c.676T>C (p.Trp226Arg)

Gene: TTC8 (tetratricopeptide repeat domain 8; plus strand). Cytogenetic location: 14q31.3.
Variant type: single nucleotide variant.
Coding change: c.676T>C on transcript NM_144596.4 (MANE Select); coding-DNA position 676, T replaced by C.
Protein change: p.Trp226Arg; replaces tryptophan 226 with arginine.
Molecular consequence: missense variant. On other transcripts: non-coding transcript variant (1), 5 prime UTR variant (1).
Genome position (GRCh38, 1-based): chr14:88,853,022, T>C. VCF-style: chr14-88853022-T-C. GRCh37 (hg19) VCF-style: chr14-89319366-T-C.
Other names: c.646T>C, p.Trp216Arg (NM_198309.3, NM_001366535.2); c.556T>C, p.Trp186Arg (NM_198310.3, NM_001366536.2); c.724T>C, p.Trp242Arg (NM_001288781.1); c.82T>C, p.Trp28Arg (NM_001288782.1); c.-42T>C (NM_001288783.1); short protein forms W216R, W28R, W186R, W226R, W242R.
Identifiers: ClinVar variation 1485560 (VCV001485560.8), dbSNP rs2140999509, ClinGen allele CA390544686.
Genomic context (GRCh38, chr14:88,853,022, plus strand): 5'-TTTTCAAAGGCTTTGGATCTGGCTGCCCTCTCCACAGAACATTCTCAGTACAAGGACTGG[T>C]GGTGGAAAGTACAGATTGGAAAATGTTACTACAGGTAAATTTCATTATTTGTGAAGGGCT-3'
Protein context (NP_653197.2, residues 216-236): STEHSQYKDW[Trp226Arg]WKVQIGKCYY

ClinVar aggregate classification (germline): Uncertain significance (1 of 4 stars; one submission).

Conditions:
Bardet-Biedl syndrome (BBS). Identifiers: Orphanet 110, MedGen C0752166, MONDO:0015229.

Submission:

Labcorp Genetics (formerly Invitae), Labcorp
Classification: Uncertain significance for Bardet-Biedl syndrome. Last evaluated: 2024-11-11. Review status: criteria provided, single submitter. Criteria: Invitae Variant Classification Sherloc (09022015). Collection method: clinical testing. Allele origin: germline.
Comment: This sequence change replaces tryptophan, which is neutral and slightly polar, with arginine, which is basic and polar, at codon 216 of the TTC8 protein (p.Trp216Arg). This variant is not present in population databases (gnomAD no frequency). This variant has not been reported in the literature in individuals affected with TTC8-related conditions. ClinVar contains an entry for this variant (Variation ID: 1485560). Invitae Evidence Modeling of protein sequence and biophysical properties (such as structural, functional, and spatial information, amino acid conservation, physicochemical variation, residue mobility, and thermodynamic stability) indicates that this missense variant is expected to disrupt TTC8 protein function with a positive predictive value of 80%. In summary, the available evidence is currently insufficient to determine the role of this variant in disease. Therefore, it has been classified as a Variant of Uncertain Significance.